The following is an entry in ClinVar:

NM_001012720.2(RGR):c.752C>T (p.Ala251Val)

Gene: RGR (retinal G protein coupled receptor; plus strand). Cytogenetic location: 10q23.1.
Variant type: single nucleotide variant.
Coding change: c.752C>T on transcript NM_001012720.2 (MANE Select); coding-DNA position 752, C replaced by T.
Protein change: p.Ala251Val; replaces alanine 251 with valine.
Molecular consequence: missense variant.
Genome position (GRCh38, 1-based): chr10:84,258,515, C>T. VCF-style: chr10-84258515-C-T. GRCh37 (hg19) VCF-style: chr10-86018271-C-T.
Other names: c.638C>T, p.Ala213Val (NM_001012722.2); c.764C>T, p.Ala255Val (NM_002921.4); short protein forms A255V, A213V, A251V.
Identifiers: ClinVar variation 2709061 (VCV002709061.4), dbSNP rs2492652531, ClinGen allele CA377392299.

ClinVar aggregate classification (germline): Uncertain significance. Review status: criteria provided, multiple submitters, no conflicts (2 of 4 stars). 2 submissions from 2 submitters: Uncertain significance (2). Last evaluated 2024-01-23.

gnomAD v4.1: 2 of 1,614,230 alleles (0.00012%); highest among the groups gnomAD compares: Non-Finnish European, 0.00017%; no homozygotes.

Submissions (2):

Labcorp Genetics (formerly Invitae), Labcorp
Classification: Uncertain significance. Last evaluated: 2024-01-23. Review status: criteria provided, single submitter. Criteria: Invitae Variant Classification Sherloc (09022015). Collection method: clinical testing. Allele origin: germline.
Comment: This sequence change replaces alanine, which is neutral and non-polar, with valine, which is neutral and non-polar, at codon 251 of the RGR protein (p.Ala251Val). This variant is not present in population databases (gnomAD no frequency). This variant has not been reported in the literature in individuals affected with RGR-related conditions. Experimental studies and prediction algorithms are not available or were not evaluated, and the functional significance of this variant is currently unknown. In summary, the available evidence is currently insufficient to determine the role of this variant in disease. Therefore, it has been classified as a Variant of Uncertain Significance.

Blueprint Genetics
Classification: Uncertain significance. Last evaluated: 2021-03-12. Review status: criteria provided, single submitter. Criteria: ACMG Guidelines, 2015. Collection method: clinical testing. Allele origin: germline.